The following is an entry in ClinVar:

NM_014321.4(ORC6):c.359+1G>A

Gene: ORC6 (origin recognition complex subunit 6; plus strand). Cytogenetic location: 16q11.2.
Variant type: single nucleotide variant.
Coding change: c.359+1G>A on transcript NM_014321.4 (MANE Select); the canonical splice donor site of the intron after coding-DNA position 359, G replaced by A.
Molecular consequence: splice donor variant.
Genome position (GRCh38, 1-based): chr16:46,692,546, G>A. VCF-style: chr16-46692546-G-A. GRCh37 (hg19) VCF-style: chr16-46726458-G-A.
Identifiers: ClinVar variation 3699362 (VCV003699362.2).

ClinVar aggregate classification (germline): Likely pathogenic (1 of 4 stars; one submission).

gnomAD v4.1: 1 of 1,612,422 alleles (0.000062%); highest among the groups gnomAD compares: Non-Finnish European, 0.000085%; no homozygotes.

Submission:

Labcorp Genetics (formerly Invitae), Labcorp
Classification: Likely pathogenic. Last evaluated: 2024-09-22. Review status: criteria provided, single submitter. Criteria: Invitae Variant Classification Sherloc (09022015). Collection method: clinical testing. Allele origin: germline.
Comment: This sequence change affects a donor splice site in intron 3 of the ORC6 gene. It is expected to disrupt RNA splicing. Variants that disrupt the donor or acceptor splice site typically lead to a loss of protein function (PMID: 16199547), and loss-of-function variants in ORC6 are known to be pathogenic (PMID: 21358632, 25691413). This variant is not present in population databases (gnomAD no frequency). This variant has not been reported in the literature in individuals affected with ORC6-related conditions. Algorithms developed to predict the effect of sequence changes on RNA splicing suggest that this variant may disrupt the consensus splice site. In summary, the currently available evidence indicates that the variant is pathogenic, but additional data are needed to prove that conclusively. Therefore, this variant has been classified as Likely Pathogenic.

Literature cited by the submitters: PubMed 16199547; PubMed 21358632; PubMed 25691413.